The following is an entry in ClinVar:

ClinVar aggregate classification (germline): Uncertain significance. Review status: criteria provided, multiple submitters, no conflicts (2 of 4 stars). 2 submissions from 2 submitters: Uncertain significance (2). Last evaluated 2025-06-07.

Conditions:
Idiopathic generalized epilepsy. Also called: Generalised epilepsy; EIG. Identifiers: MedGen C0270850, MONDO:0005579, OMIM 600669.
Hyperaldosteronism, familial, type IV (HALD4). Also called: FH IV; ALDOSTERONISM, PRIMARY, AND HYPERTENSION. Identifiers: Orphanet 642671, MedGen C4310756, MONDO:0014875, OMIM 617027.
Inborn genetic diseases. Identifiers: MedGen C0950123, MeSH D030342.

Allele frequency attached by ClinVar (database versions not stated): gnomAD exomes below 0.00001.
gnomAD v4.1: 1 of 1,566,244 alleles (0.000064%); highest among the groups gnomAD compares: Non-Finnish European, 0.000086%; no homozygotes.

Submissions (2):

Ambry Genetics
Classification: Uncertain significance for Inborn genetic diseases. Last evaluated: 2025-06-07. Review status: criteria provided, single submitter. Criteria: Ambry Variant Classification Scheme 2023. Collection method: clinical testing. Allele origin: germline.

Labcorp Genetics (formerly Invitae), Labcorp
Classification: Uncertain significance for Idiopathic generalized epilepsy; Hyperaldosteronism, familial, type IV. Last evaluated: 2024-02-24. Review status: criteria provided, single submitter. Criteria: Invitae Variant Classification Sherloc (09022015). Collection method: clinical testing. Allele origin: germline.
Comment: This sequence change replaces isoleucine, which is neutral and non-polar, with methionine, which is neutral and non-polar, at codon 467 of the CACNA1H protein (p.Ile467Met). This variant is not present in population databases (gnomAD no frequency). This variant has not been reported in the literature in individuals affected with CACNA1H-related conditions. ClinVar contains an entry for this variant (Variation ID: 1471247). Advanced modeling of protein sequence and biophysical properties (such as structural, functional, and spatial information, amino acid conservation, physicochemical variation, residue mobility, and thermodynamic stability) performed at Invitae indicates that this missense variant is not expected to disrupt CACNA1H protein function with a negative predictive value of 80%. In summary, the available evidence is currently insufficient to determine the role of this variant in disease. Therefore, it has been classified as a Variant of Uncertain Significance.

NM_021098.3(CACNA1H):c.1401A>G (p.Ile467Met)

Gene: CACNA1H (calcium voltage-gated channel subunit alpha1 H; plus strand). Cytogenetic location: 16p13.3.
Variant type: single nucleotide variant.
Coding change: c.1401A>G on transcript NM_021098.3 (MANE Select); coding-DNA position 1401, A replaced by G.
Protein change: p.Ile467Met; replaces isoleucine 467 with methionine.
Molecular consequence: missense variant.
Genome position (GRCh38, 1-based): chr16:1,201,851, A>G. VCF-style: chr16-1201851-A-G. GRCh37 (hg19) VCF-style: chr16-1251851-A-G.
Other names: c.1401A>G (NM_021098.2); c.1401A>G, p.Ile467Met (NM_001005407.2); short protein forms I467M.
Identifiers: ClinVar variation 1471247 (VCV001471247.9), dbSNP rs2141256394, ClinGen allele CA394160689.